The following is an entry in ClinVar:

ClinVar aggregate classification (germline): Benign/Likely benign. Review status: criteria provided, multiple submitters, no conflicts (2 of 4 stars). 5 submissions from 5 submitters: Benign (4); Likely benign (1). Last evaluated 2026-02-01.

Conditions:
Congenital myasthenic syndrome 20. Also called: Myasthenic syndrome, congenital, 20, presynaptic. Identifiers: MedGen C4310694, MONDO:0014939, OMIM 617143.
Neuronopathy, distal hereditary motor, type 7A. Also called: NEURONOPATHY, DISTAL HEREDITARY MOTOR, HARDING TYPE VIIA; NEUROPATHY, DISTAL HEREDITARY MOTOR, HARDING TYPE VIIA; Neuronopathy, distal hereditary motor, autosomal dominant 7; Neuronopathy, distal hereditary motor, type viia; HARPER-YOUNG MYOPATHY; HMN VIIA. Identifiers: Orphanet 139589, MedGen C1834703, MONDO:0008024, OMIM 158580.

Allele frequency attached by ClinVar (database versions not stated): ESP Exome Variant Server 0.00108; gnomAD 0.00253 and 0.00255; gnomAD exomes 0.00282 and 0.00212; ExAC 0.00292; 1000 Genomes Project 30x 0.00156; 1000 Genomes Project 0.00160; TOPMed 0.00176.
gnomAD v4.1: 3,467 of 1,613,914 alleles (0.21%); highest among the groups gnomAD compares: Admixed American, 0.25%; 15 homozygotes.

Submissions (5):

Labcorp Genetics (formerly Invitae), Labcorp
Classification: Benign for Neuronopathy, distal hereditary motor, type 7A; Congenital myasthenic syndrome 20. Last evaluated: 2026-02-01. Review status: criteria provided, single submitter. Criteria: Invitae Variant Classification Sherloc (09022015). Collection method: clinical testing. Allele origin: germline.

CeGaT Center for Human Genetics Tuebingen
Classification: Benign. Last evaluated: 2025-06-01. Review status: criteria provided, single submitter. Criteria: CeGaT Center For Human Genetics Tuebingen Variant Classification Criteria Version 2. Collection method: clinical testing. Allele origin: germline. Affected: yes. Observed: 3 variant alleles.
Comment: SLC5A7: BS1, BS2

GeneDx
Classification: Likely benign. Last evaluated: 2025-05-22. Review status: criteria provided, single submitter. Criteria: GeneDx Variant Classification Process June 2021. Collection method: clinical testing. Allele origin: germline. Affected: yes.
Comment: See Variant Classification Assertion Criteria.

ARUP Laboratories, Molecular Genetics and Genomics, ARUP Laboratories
Classification: Benign. Last evaluated: 2023-02-28. Review status: criteria provided, single submitter. Criteria: ARUP Molecular Germline Variant Investigation Process 2024. Collection method: clinical testing. Allele origin: germline.

Mayo Clinic Laboratories, Mayo Clinic
Classification: Benign. Last evaluated: 2017-07-13. Review status: criteria provided, single submitter. Criteria: ACMG Guidelines, 2015. Collection method: clinical testing. Allele origin: germline. Observed: 7 variant alleles.

NM_021815.5(SLC5A7):c.713A>G (p.Tyr238Cys)

Gene: SLC5A7 (solute carrier family 5 member 7; plus strand). Cytogenetic location: 2q12.3.
Variant type: single nucleotide variant.
Coding change: c.713A>G on transcript NM_021815.5 (MANE Select); coding-DNA position 713, A replaced by G.
Protein change: p.Tyr238Cys; replaces tyrosine 238 with cysteine.
Molecular consequence: missense variant. On other transcripts: 5 prime UTR variant (1).
Genome position (GRCh38, 1-based): chr2:108,002,012, A>G. VCF-style: chr2-108002012-A-G. GRCh37 (hg19) VCF-style: chr2-108618468-A-G.
Other names: c.713A>G, p.Tyr238Cys (NM_001305005.3); c.398A>G, p.Tyr133Cys (NM_001305006.3); c.-29A>G (NM_001305007.3); short protein forms Y238C, Y133C.
Identifiers: ClinVar variation 464175 (VCV000464175.47), dbSNP rs142776152, ClinGen allele CA1819032.